The following is an entry in ClinVar:

ClinVar aggregate classification (germline): Uncertain significance. Review status: criteria provided, multiple submitters, no conflicts (2 of 4 stars). 2 submissions from 2 submitters: Uncertain significance (2). Last evaluated 2025-01-22.

Conditions:
Inborn genetic diseases. Identifiers: MedGen C0950123, MeSH D030342.
Ehlers-Danlos syndrome, dermatosparaxis type. Also called: EDS VIIC; Dermatosparaxis; Ehlers-Danlos syndrome, type VII, autosomal recessive. Identifiers: Orphanet 1901, MedGen C2700425, MONDO:0009161, OMIM 225410.

Allele frequency attached by ClinVar (database versions not stated): gnomAD exomes 0.00001; TOPMed 0.00001; ExAC 0.00002.
gnomAD v4.1: 13 of 1,613,386 alleles (0.00081%); highest among the groups gnomAD compares: Middle Eastern, 0.016%; no homozygotes.

Submissions (2):

Ambry Genetics
Classification: Uncertain significance for Inborn genetic diseases. Last evaluated: 2025-01-22. Review status: criteria provided, single submitter. Criteria: Ambry Variant Classification Scheme 2023. Collection method: clinical testing. Allele origin: germline.

Labcorp Genetics (formerly Invitae), Labcorp
Classification: Uncertain significance for Ehlers-Danlos syndrome, dermatosparaxis type. Last evaluated: 2021-08-30. Review status: criteria provided, single submitter. Criteria: Invitae Variant Classification Sherloc (09022015). Collection method: clinical testing. Allele origin: germline.
Comment: This sequence change replaces serine with leucine at codon 899 of the ADAMTS2 protein (p.Ser899Leu). The serine residue is weakly conserved and there is a large physicochemical difference between serine and leucine. This variant is present in population databases (rs751948505, ExAC 0.003%). This variant has not been reported in the literature in individuals affected with ADAMTS2-related conditions. Algorithms developed to predict the effect of missense changes on protein structure and function output the following: SIFT: "Tolerated"; PolyPhen-2: "Benign"; Align-GVGD: "Class C0". The leucine amino acid residue is found in multiple mammalian species, which suggests that this missense change does not adversely affect protein function. In summary, the available evidence is currently insufficient to determine the role of this variant in disease. Therefore, it has been classified as a Variant of Uncertain Significance.

NM_014244.5(ADAMTS2):c.2696C>T (p.Ser899Leu)

Gene: ADAMTS2 (ADAM metallopeptidase with thrombospondin type 1 motif 2; minus strand). Cytogenetic location: 5q35.3.
Variant type: single nucleotide variant.
Coding change: c.2696C>T on transcript NM_014244.5 (MANE Select); coding-DNA position 2696, C replaced by T.
Protein change: p.Ser899Leu; replaces serine 899 with leucine.
Molecular consequence: missense variant.
Genome position (GRCh38, 1-based): chr5:179,126,052, G>A on the plus strand (C>T on the coding strand, the complement: ADAMTS2 is on the minus strand). VCF-style: chr5-179126052-G-A. GRCh37 (hg19) VCF-style: chr5-178553053-G-A.
Other names: short protein forms S899L.
Identifiers: ClinVar variation 1339840 (VCV001339840.5), dbSNP rs751948505, ClinGen allele CA3595463.